The following is an entry in ClinVar:

NM_004343.4(CALR):c.-4C>T

Genes: CALR (calreticulin; plus strand), LOC117125596 (CRISPRi-FlowFISH-validated RAD23A regulatory element 2; plus strand). Cytogenetic location: 19p13.13.
Variant type: single nucleotide variant.
Coding change: c.-4C>T on transcript NM_004343.4 (MANE Select); 4 bases upstream of the start codon, C replaced by T.
Molecular consequence: 5 prime UTR variant.
Genome position (GRCh38, 1-based): chr19:12,938,676, C>T. VCF-style: chr19-12938676-C-T. GRCh37 (hg19) VCF-style: chr19-13049490-C-T.
Other names: c.-4C>T (NM_004343.3).
Identifiers: ClinVar variation 1269519 (VCV001269519.2), dbSNP rs190251647, ClinGen allele CA9235595.
Genomic context (GRCh38, chr19:12,938,676, plus strand): 5'-CTGCAGAGCCGCTGCCGGAGGGTCGTTTTAAAGGGCCCGCGCGTTGCCGCCCCCTCGGCC[C>T]GCCATGCTGCTATCCGTGCCGCTGCTGCTCGGCCTCCTCGGCCTGGCCGTCGCCGAGCCT-3'

ClinVar aggregate classification (germline): Benign. Review status: criteria provided, multiple submitters, no conflicts (2 of 4 stars). 2 submissions from 2 submitters: Benign (2). Last evaluated 2026-08-04.

Conditions:
CALR-related disorder. Also called: CALR-related condition.

Allele frequency attached by ClinVar (database versions not stated): ESP Exome Variant Server 0.00015; gnomAD 0.00155 and 0.00200; TOPMed 0.00298; gnomAD exomes 0.00458; ExAC 0.00663; 1000 Genomes Project 30x 0.00843; 1000 Genomes Project 0.00919.

Submissions (2):

PreventionGenetics, part of Exact Sciences
Classification: Benign for CALR-related condition. Last evaluated: 2026-08-04. Review status: criteria provided, single submitter. Criteria: ACMG Guidelines, 2015. Collection method: clinical testing. Allele origin: germline.
Comment: This variant is classified as benign based on ACMG/AMP sequence variant interpretation guidelines (Richards et al. 2015 PMID: 25741868, with internal and published modifications).

GeneDx
Classification: Benign. Last evaluated: 2021-05-05. Review status: criteria provided, single submitter. Criteria: GeneDx Variant Classification Process June 2021. Collection method: clinical testing. Allele origin: germline. Affected: yes.